The following is an entry in ClinVar:

NM_006231.4(POLE):c.4290+20C>T

Gene: POLE (DNA polymerase epsilon, catalytic subunit; minus strand). Cytogenetic location: 12q24.33.
Variant type: single nucleotide variant.
Coding change: c.4290+20C>T on transcript NM_006231.4 (MANE Select); 20 bases into the intron after coding-DNA position 4290, C replaced by T.
Molecular consequence: intron variant.
Genome position (GRCh38, 1-based): chr12:132,643,817, G>A on the plus strand (C>T on the coding strand, the complement: POLE is on the minus strand). VCF-style: chr12-132643817-G-A. GRCh37 (hg19) VCF-style: chr12-133220403-G-A.
Identifiers: ClinVar variation 391507 (VCV000391507.8), dbSNP rs768700204, ClinGen allele CA6892915.

ClinVar aggregate classification (germline): Likely benign. Review status: criteria provided, multiple submitters, no conflicts (2 of 4 stars). 2 submissions from 2 submitters: Likely benign (2). Last evaluated 2025-11-24.

Allele frequency attached by ClinVar (database versions not stated): gnomAD exomes 0.00001 and 0.00002; TOPMed 0.00002; ExAC 0.00003; gnomAD 0.00003.
gnomAD v4.1: 11 of 1,610,060 alleles (0.00068%); highest among the groups gnomAD compares: Middle Eastern, 0.017%; no homozygotes.

Submissions (2):

Labcorp Genetics (formerly Invitae), Labcorp
Classification: Likely benign. Last evaluated: 2025-11-24. Review status: criteria provided, single submitter. Criteria: Invitae Variant Classification Sherloc (09022015). Collection method: clinical testing. Allele origin: germline.

GeneDx
Classification: Likely benign. Last evaluated: 2016-12-02. Review status: criteria provided, single submitter. Criteria: GeneDx Variant Classification (06012015). Collection method: clinical testing. Allele origin: germline. Affected: yes.
Comment: This variant is considered likely benign or benign based on one or more of the following criteria: it is a conservative change, it occurs at a poorly conserved position in the protein, it is predicted to be benign by multiple in silico algorithms, and/or has population frequency not consistent with disease.